The following is an entry in ClinVar:

NM_002292.4(LAMB2):c.4888G>A (p.Ala1630Thr)

Gene: LAMB2 (laminin subunit beta 2; minus strand). Cytogenetic location: 3p21.31.
Variant type: single nucleotide variant.
Coding change: c.4888G>A on transcript NM_002292.4 (MANE Select); coding-DNA position 4888, G replaced by A.
Protein change: p.Ala1630Thr; replaces alanine 1630 with threonine.
Molecular consequence: missense variant.
Genome position (GRCh38, 1-based): chr3:49,121,979, C>T on the plus strand (G>A on the coding strand, the complement: LAMB2 is on the minus strand). VCF-style: chr3-49121979-C-T. GRCh37 (hg19) VCF-style: chr3-49159412-C-T.
Other names: short protein forms A1630T.
Identifiers: ClinVar variation 1036192 (VCV001036192.4), dbSNP rs144938183, ClinGen allele CA2393671.

ClinVar aggregate classification (germline): Uncertain significance (1 of 4 stars; one submission).

Conditions:
Pierson syndrome. Also called: MICROCORIA-CONGENITAL NEPHROTIC SYNDROME. Identifiers: Orphanet 2670, MedGen C1836876, MONDO:0012184, OMIM 609049.
LAMB2-related infantile-onset nephrotic syndrome. Also called: Nephrotic Syndrome, type 5; NEPHROTIC SYNDROME, TYPE 5, WITHOUT OCULAR ABNORMALITIES; NEPHROTIC SYNDROME, TYPE 5, WITH OCULAR ABNORMALITIES. Identifiers: Orphanet 306507, MedGen C3280113, MONDO:0013621, OMIM 614199.

Allele frequency attached by ClinVar (database versions not stated): TOPMed below 0.00001; ExAC 0.00001; gnomAD 0.00001; gnomAD exomes 0.00001; ESP Exome Variant Server 0.00008.
gnomAD v4.1: 5 of 1,613,856 alleles (0.00031%); highest among the groups gnomAD compares: Non-Finnish European, 0.00042%; no homozygotes.

Submission:

Labcorp Genetics (formerly Invitae), Labcorp
Classification: Uncertain significance for LAMB2-related infantile-onset nephrotic syndrome; Pierson syndrome. Last evaluated: 2020-10-15. Review status: criteria provided, single submitter. Criteria: Invitae Variant Classification Sherloc (09022015). Collection method: clinical testing. Allele origin: germline.
Comment: This sequence change replaces alanine with threonine at codon 1630 of the LAMB2 protein (p.Ala1630Thr). The alanine residue is moderately conserved and there is a small physicochemical difference between alanine and threonine. This variant is present in population databases (rs144938183, ExAC 0.001%). This variant has not been reported in the literature in individuals with LAMB2-related conditions. Algorithms developed to predict the effect of missense changes on protein structure and function (SIFT, PolyPhen-2, Align-GVGD) all suggest that this variant is likely to be tolerated, but these predictions have not been confirmed by published functional studies and their clinical significance is uncertain. In summary, the available evidence is currently insufficient to determine the role of this variant in disease. Therefore, it has been classified as a Variant of Uncertain Significance.